The following is an entry in ClinVar:

ClinVar aggregate classification (germline): Uncertain significance (1 of 4 stars; one submission).

Submission:

GeneDx
Classification: Uncertain significance. Last evaluated: 2019-02-07. Review status: criteria provided, single submitter. Criteria: GeneDx Variant Classification Process June 2021. Collection method: clinical testing. Allele origin: germline. Affected: yes.
Comment: Not observed in large population cohorts (Lek et al., 2016); In silico analysis, which includes protein predictors and evolutionary conservation, supports a deleterious effect; Has not been previously published as pathogenic or benign to our knowledge

NM_203475.3(PORCN):c.901G>T (p.Val301Phe)

Gene: PORCN (porcupine O-acyltransferase; plus strand). Cytogenetic location: Xp11.23.
Variant type: single nucleotide variant.
Coding change: c.901G>T on transcript NM_203475.3 (MANE Select); coding-DNA position 901, G replaced by T.
Protein change: p.Val301Phe; replaces valine 301 with phenylalanine.
Molecular consequence: missense variant.
Genome position (GRCh38, 1-based): chrX:48,514,580, G>T. VCF-style: chrX-48514580-G-T. GRCh37 (hg19) VCF-style: chrX-48372968-G-T.
Other names: c.655G>T, p.Val219Phe (NM_001282167.2); c.868G>T, p.Val290Phe (NM_022825.4); c.886G>T, p.Val296Phe (NM_203473.3); c.883G>T, p.Val295Phe (NM_203474.1); short protein forms V219F, V290F, V295F, V296F, V301F.
Identifiers: ClinVar variation 1305553 (VCV001305553.2), dbSNP rs2147131500, ClinGen allele CA412847130.